The following is an entry in ClinVar:

NM_000271.5(NPC1):c.3380T>C (p.Met1127Thr)

Gene: NPC1 (NPC intracellular cholesterol transporter 1; minus strand). Cytogenetic location: 18q11.2.
Variant type: single nucleotide variant.
Coding change: c.3380T>C on transcript NM_000271.5 (MANE Select); coding-DNA position 3380, T replaced by C.
Protein change: p.Met1127Thr; replaces methionine 1127 with threonine.
Molecular consequence: missense variant.
Genome position (GRCh38, 1-based): chr18:23,535,566, A>G on the plus strand (T>C on the coding strand, the complement: NPC1 is on the minus strand). VCF-style: chr18-23535566-A-G. GRCh37 (hg19) VCF-style: chr18-21115530-A-G.
Other names: short protein forms M1127T.
Identifiers: ClinVar variation 2150579 (VCV002150579.1), dbSNP rs2058616761, ClinGen allele CA401791332.

ClinVar aggregate classification (germline): Uncertain significance (1 of 4 stars; one submission).

Conditions:
Niemann-Pick disease, type C1. Also called: NEUROVISCERAL STORAGE DISEASE WITH VERTICAL SUPRANUCLEAR OPHTHALMOPLEGIA; NIEMANN-PICK DISEASE WITH CHOLESTEROL ESTERIFICATION BLOCK; NIEMANN-PICK DISEASE WITHOUT SPHINGOMYELINASE DEFICIENCY; NIEMANN-PICK DISEASE, CHRONIC NEURONOPATHIC FORM; NIEMANN-PICK DISEASE, VARIANT TYPE C1. Identifiers: Orphanet 646, MedGen C3179455, MONDO:0009757, OMIM 257220.

Allele frequency attached by ClinVar (database versions not stated): gnomAD exomes below 0.00001; TOPMed 0.00001.

Submission:

Labcorp Genetics (formerly Invitae), Labcorp
Classification: Uncertain significance for Niemann-Pick disease, type C1. Last evaluated: 2022-08-05. Review status: criteria provided, single submitter. Criteria: Invitae Variant Classification Sherloc (09022015). Collection method: clinical testing. Allele origin: germline.
Comment: This sequence change replaces methionine, which is neutral and non-polar, with threonine, which is neutral and polar, at codon 1127 of the NPC1 protein (p.Met1127Thr). This variant is not present in population databases (gnomAD no frequency). This variant has not been reported in the literature in individuals affected with NPC1-related conditions. Advanced modeling of protein sequence and biophysical properties (such as structural, functional, and spatial information, amino acid conservation, physicochemical variation, residue mobility, and thermodynamic stability) performed at Invitae indicates that this missense variant is not expected to disrupt NPC1 protein function. In summary, the available evidence is currently insufficient to determine the role of this variant in disease. Therefore, it has been classified as a Variant of Uncertain Significance.